The following is an entry in ClinVar:

NM_212550.5(BLOC1S3):c.565G>C (p.Val189Leu)

Gene: BLOC1S3 (biogenesis of lysosomal organelles complex 1 subunit 3; plus strand). Cytogenetic location: 19q13.32.
Variant type: single nucleotide variant.
Coding change: c.565G>C on transcript NM_212550.5 (MANE Select); coding-DNA position 565, G replaced by C.
Protein change: p.Val189Leu; replaces valine 189 with leucine.
Molecular consequence: missense variant.
Genome position (GRCh38, 1-based): chr19:45,179,861, G>C. VCF-style: chr19-45179861-G-C. GRCh37 (hg19) VCF-style: chr19-45683119-G-C.
Other names: short protein forms V189L.
Identifiers: ClinVar variation 2096760 (VCV002096760.4), dbSNP rs773471153, ClinGen allele CA406345059.
Genomic context (GRCh38, chr19:45,179,861, plus strand): 5'-GCGCTGGCCGAGCGTCTGGACATCGTGGCTGGCTGCCGCCTGCTGCCGGACATCCGCGGC[G>C]TGCCAGGGACCGAGCCTGAGAAAGACCCGGGGCCGCGGGCCTAGCCATGATTCTACTTCC-3'
Protein context (NP_997715.1, residues 179-199): GCRLLPDIRG[Val189Leu]PGTEPEKDPG

ClinVar aggregate classification (germline): Uncertain significance (1 of 4 stars; one submission).

Submission:

Labcorp Genetics (formerly Invitae), Labcorp
Classification: Uncertain significance. Last evaluated: 2022-02-11. Review status: criteria provided, single submitter. Criteria: Invitae Variant Classification Sherloc (09022015). Collection method: clinical testing. Allele origin: germline.
Comment: This sequence change replaces valine, which is neutral and non-polar, with leucine, which is neutral and non-polar, at codon 189 of the BLOC1S3 protein (p.Val189Leu). This variant is not present in population databases (gnomAD no frequency). This variant has not been reported in the literature in individuals affected with BLOC1S3-related conditions. Algorithms developed to predict the effect of missense changes on protein structure and function output the following: SIFT: "Tolerated"; PolyPhen-2: "Benign"; Align-GVGD: "Class C0". The leucine amino acid residue is found in multiple mammalian species, which suggests that this missense change does not adversely affect protein function. In summary, the available evidence is currently insufficient to determine the role of this variant in disease. Therefore, it has been classified as a Variant of Uncertain Significance.